The following is an entry in ClinVar:

ClinVar aggregate classification (germline): Uncertain significance (1 of 4 stars; one submission).

gnomAD v4.1: 2 of 1,613,274 alleles (0.00012%); highest among the groups gnomAD compares: African/African-American, 0.0013%; no homozygotes.

Submission:

Labcorp Genetics (formerly Invitae), Labcorp
Classification: Uncertain significance. Last evaluated: 2026-01-20. Review status: criteria provided, single submitter. Criteria: Invitae Variant Classification Sherloc (09022015). Collection method: clinical testing. Allele origin: germline.
Comment: This sequence change replaces threonine, which is neutral and polar, with alanine, which is neutral and non-polar, at codon 1396 of the FOCAD protein (p.Thr1396Ala). The frequency data for this variant in the population databases is considered unreliable, as metrics indicate poor data quality at this position in the gnomAD database. This variant has not been reported in the literature in individuals affected with FOCAD-related conditions. An algorithm developed to predict the effect of missense changes on protein structure and function outputs the following: PolyPhen-2: "Not Available". The alanine amino acid residue is found in multiple mammalian species, which suggests that this missense change does not adversely affect protein function. In summary, the available evidence is currently insufficient to determine the role of this variant in disease. Therefore, it has been classified as a Variant of Uncertain Significance.

NM_001375567.1(FOCAD):c.4186A>G (p.Thr1396Ala)

Gene: FOCAD (focadhesin; plus strand). Cytogenetic location: 9p21.3.
Variant type: single nucleotide variant.
Coding change: c.4186A>G on transcript NM_001375567.1 (MANE Select); coding-DNA position 4186, A replaced by G.
Protein change: p.Thr1396Ala; replaces threonine 1396 with alanine.
Molecular consequence: missense variant.
Genome position (GRCh38, 1-based): chr9:20,976,473, A>G. VCF-style: chr9-20976473-A-G. GRCh37 (hg19) VCF-style: chr9-20976472-A-G.
Other names: c.4081A>G, p.Thr1361Ala (NM_001375568.1, NM_001375570.1); c.4186A>G, p.Thr1396Ala (NM_017794.5); short protein forms T1361A, T1396A.
Identifiers: ClinVar variation 4798597 (VCV004798597.1).